The following is an entry in ClinVar:

NM_024685.4(BBS10):c.62T>C (p.Leu21Pro)

Gene: BBS10 (Bardet-Biedl syndrome 10; minus strand). Cytogenetic location: 12q21.2.
Variant type: single nucleotide variant.
Coding change: c.62T>C on transcript NM_024685.4 (MANE Select); coding-DNA position 62, T replaced by C.
Protein change: p.Leu21Pro; replaces leucine 21 with proline.
Molecular consequence: missense variant.
Genome position (GRCh38, 1-based): chr12:76,348,297, A>G on the plus strand (T>C on the coding strand, the complement: BBS10 is on the minus strand). VCF-style: chr12-76348297-A-G. GRCh37 (hg19) VCF-style: chr12-76742077-A-G.
Other names: short protein forms L21P.
Identifiers: ClinVar variation 2175824 (VCV002175824.4), dbSNP rs2540957885, ClinGen allele CA385816325.

ClinVar aggregate classification (germline): Uncertain significance (1 of 4 stars; one submission).

Conditions:
Bardet-Biedl syndrome (BBS). Identifiers: Orphanet 110, MedGen C0752166, MONDO:0015229.

Submission:

Labcorp Genetics (formerly Invitae), Labcorp
Classification: Uncertain significance for Bardet-Biedl syndrome. Last evaluated: 2022-07-15. Review status: criteria provided, single submitter. Criteria: Invitae Variant Classification Sherloc (09022015). Collection method: clinical testing. Allele origin: germline.
Comment: This sequence change replaces leucine, which is neutral and non-polar, with proline, which is neutral and non-polar, at codon 21 of the BBS10 protein (p.Leu21Pro). In summary, the available evidence is currently insufficient to determine the role of this variant in disease. Therefore, it has been classified as a Variant of Uncertain Significance. Algorithms developed to predict the effect of missense changes on protein structure and function are either unavailable or do not agree on the potential impact of this missense change (SIFT: "Deleterious"; PolyPhen-2: "Probably Damaging"; Align-GVGD: "Class C0"). This variant has not been reported in the literature in individuals affected with BBS10-related conditions. This variant is not present in population databases (gnomAD no frequency).